The following is an entry in ClinVar:

ClinVar aggregate classification (germline): Uncertain significance (1 of 4 stars; one submission).

Conditions:
Nephrotic syndrome, type 19. Identifiers: MedGen C4748552, MONDO:0032582, OMIM 618178.

Submission:

3billion
Classification: Uncertain significance for Nephrotic syndrome, type 19. Last evaluated: 2025-01-20. Review status: criteria provided, single submitter. Criteria: ACMG Guidelines, 2015. Collection method: clinical testing. Allele origin: germline. Affected: yes.
Comment: The variant is not observed in the gnomAD v4.1.0 dataset. Predicted Consequence/Location: Missense variant. The majority of the known disease-causing variants of this gene are variants expected to result in premature termination of the protein. In silico tools predict the variant to alter splicing and produce an abnormal transcript [SpliceAI: 0.23 (>=0.2, moderate evidence for spliceogenicity)]. Therefore, this variant is classified as VUS according to the recommendation of ACMG/AMP guideline.

NM_015231.3(NUP160):c.1112A>T (p.Asp371Val)

Gene: NUP160 (nucleoporin 160; minus strand). Cytogenetic location: 11p11.2.
Variant type: single nucleotide variant.
Coding change: c.1112A>T on transcript NM_015231.3 (MANE Select); coding-DNA position 1112, A replaced by T.
Protein change: p.Asp371Val; replaces aspartic acid 371 with valine.
Molecular consequence: missense variant. On other transcripts: non-coding transcript variant (1).
Genome position (GRCh38, 1-based): chr11:47,821,787, T>A on the plus strand (A>T on the coding strand, the complement: NUP160 is on the minus strand). VCF-style: chr11-47821787-T-A. GRCh37 (hg19) VCF-style: chr11-47843339-T-A.
Other names: short protein forms D371V.
Identifiers: ClinVar variation 4293395 (VCV004293395.1).